The following is an entry in ClinVar:

NM_001330723.2(SNX27):c.1493G>A (p.Arg498Gln)

Gene: SNX27 (sorting nexin 27; plus strand). Cytogenetic location: 1q21.3.
Variant type: single nucleotide variant.
Coding change: c.1493G>A on transcript NM_001330723.2 (MANE Select); coding-DNA position 1493, G replaced by A.
Protein change: p.Arg498Gln; replaces arginine 498 with glutamine.
Molecular consequence: missense variant.
Genome position (GRCh38, 1-based): chr1:151,693,014, G>A. VCF-style: chr1-151693014-G-A. GRCh37 (hg19) VCF-style: chr1-151665490-G-A.
Other names: c.1493G>A, p.Arg498Gln (NM_030918.6); short protein forms R498Q.
Identifiers: ClinVar variation 568277 (VCV000568277.7), dbSNP rs1558078709, ClinGen allele CA341973320.

ClinVar aggregate classification (germline): Uncertain significance (1 of 4 stars; one submission).

Conditions:
Severe myoclonic epilepsy in infancy (DRVT). Also called: Epileptic encephalopathy, early infantile, 6 (Dravet syndrome); Dravet syndrome; SEVERE MYOCLONIC EPILEPSY OF INFANCY; DEVELOPMENTAL AND EPILEPTIC ENCEPHALOPATHY 6A; Severe Myoclonic Epilepsy in Infancy (SMEI). Identifiers: Orphanet 33069, MedGen C0751122, MONDO:0100135, OMIM 607208.

Allele frequency attached by ClinVar (database versions not stated): TOPMed below 0.00001; gnomAD exomes 0.00001.
gnomAD v4.1: 9 of 1,614,142 alleles (0.00056%); highest among the groups gnomAD compares: South Asian, 0.0011%; no homozygotes.

Submission:

Labcorp Genetics (formerly Invitae), Labcorp
Classification: Uncertain significance for Severe myoclonic epilepsy in infancy. Last evaluated: 2021-08-15. Review status: criteria provided, single submitter. Criteria: Invitae Variant Classification Sherloc (09022015). Collection method: clinical testing. Allele origin: germline.
Comment: Algorithms developed to predict the effect of missense changes on protein structure and function are either unavailable or do not agree on the potential impact of this missense change (SIFT: "Deleterious"; PolyPhen-2: "Possibly Damaging"; Align-GVGD: "Class C0"). This variant has not been reported in the literature in individuals affected with SNX27-related conditions. This variant is not present in population databases (ExAC no frequency). This sequence change replaces arginine with glutamine at codon 498 of the SNX27 protein (p.Arg498Gln). The arginine residue is highly conserved and there is a small physicochemical difference between arginine and glutamine. In summary, the available evidence is currently insufficient to determine the role of this variant in disease. Therefore, it has been classified as a Variant of Uncertain Significance.